The following is an entry in ClinVar:

ClinVar aggregate classification (germline): Uncertain significance (1 of 4 stars; one submission).

Conditions:
FRONTOTEMPORAL LOBAR DEGENERATION WITH TDP43 INCLUSIONS, TARDBP-RELATED. Also called: Frontotemporal lobar degeneration, TARDBP-related. Identifiers: MedGen C3150169, OMIM 612069.
Amyotrophic lateral sclerosis type 10 (ALS10). Also called: AMYOTROPHIC LATERAL SCLEROSIS 10 WITHOUT FRONTOTEMPORAL DEMENTIA AND WITH TDP43 INCLUSIONS; AMYOTROPHIC LATERAL SCLEROSIS 10 WITH OR WITHOUT FRONTOTEMPORAL DEMENTIA AND WITH TDP43 INCLUSIONS; AMYOTROPHIC LATERAL SCLEROSIS 10 WITH OR WITHOUT FRONTOTEMPORAL DEMENTIA; TARDBP-Related Amyotrophic Lateral Sclerosis-Frontotemporal Dementia; Amyotrophic lateral sclerosis 10, with or without FTD. Identifiers: Orphanet 275872, Orphanet 803, MedGen C2677565, MONDO:0012790, OMIM 612069.

Submission:

Labcorp Genetics (formerly Invitae), Labcorp
Classification: Uncertain significance for Amyotrophic lateral sclerosis type 10; FRONTOTEMPORAL LOBAR DEGENERATION WITH TDP43 INCLUSIONS, TARDBP-RELATED. Last evaluated: 2025-06-16. Review status: criteria provided, single submitter. Criteria: Invitae Variant Classification Sherloc (09022015). Collection method: clinical testing. Allele origin: germline.
Comment: This sequence change replaces proline, which is neutral and non-polar, with alanine, which is neutral and non-polar, at codon 64 of the TARDBP protein (p.Pro64Ala). This variant is not present in population databases (gnomAD no frequency). This variant has not been reported in the literature in individuals affected with TARDBP-related conditions. ClinVar contains an entry for this variant (Variation ID: 3754648). Invitae Evidence Modeling of protein sequence and biophysical properties (such as structural, functional, and spatial information, amino acid conservation, physicochemical variation, residue mobility, and thermodynamic stability) indicates that this missense variant is expected to disrupt TARDBP protein function with a positive predictive value of 80%. In summary, the available evidence is currently insufficient to determine the role of this variant in disease. Therefore, it has been classified as a Variant of Uncertain Significance.

NM_007375.4(TARDBP):c.190C>G (p.Pro64Ala)

Gene: TARDBP (TAR DNA binding protein; plus strand). Cytogenetic location: 1p36.22.
Variant type: single nucleotide variant.
Coding change: c.190C>G on transcript NM_007375.4 (MANE Select); coding-DNA position 190, C replaced by G.
Protein change: p.Pro64Ala; replaces proline 64 with alanine.
Molecular consequence: missense variant.
Genome position (GRCh38, 1-based): chr1:11,013,917, C>G. VCF-style: chr1-11013917-C-G. GRCh37 (hg19) VCF-style: chr1-11073974-C-G.
Other names: short protein forms P64A.
Identifiers: ClinVar variation 3754648 (VCV003754648.2).